The following is an entry in ClinVar:

NM_001231.5(CASQ1):c.478C>A (p.Pro160Thr)

Gene: CASQ1 (calsequestrin 1; plus strand). Cytogenetic location: 1q23.2.
Variant type: single nucleotide variant.
Coding change: c.478C>A on transcript NM_001231.5 (MANE Select); coding-DNA position 478, C replaced by A.
Protein change: p.Pro160Thr; replaces proline 160 with threonine.
Molecular consequence: missense variant.
Genome position (GRCh38, 1-based): chr1:160,195,024, C>A. VCF-style: chr1-160195024-C-A. GRCh37 (hg19) VCF-style: chr1-160164814-C-A.
Other names: short protein forms P160T.
Identifiers: ClinVar variation 3687880 (VCV003687880.2).
Genomic context (GRCh38, chr1:160,195,024, plus strand): 5'-TCTACTTGAGGATAGAAACTCTCTTCCTGCAATGTCCTCCTCTTTCAGGTCCTAGAGGAC[C>A]CTGTGGAATTGATTGAAGGTGAACGAGAGCTGCAGGCGTTTGAGAATATTGAGGATGAGA-3'
Protein context (NP_001222.3, residues 150-170): VEFLLDVLED[Pro160Thr]VELIEGEREL

ClinVar aggregate classification (germline): Uncertain significance (1 of 4 stars; one submission).

Submission:

Labcorp Genetics (formerly Invitae), Labcorp
Classification: Uncertain significance. Last evaluated: 2024-10-27. Review status: criteria provided, single submitter. Criteria: Invitae Variant Classification Sherloc (09022015). Collection method: clinical testing. Allele origin: germline.
Comment: This sequence change replaces proline, which is neutral and non-polar, with threonine, which is neutral and polar, at codon 160 of the CASQ1 protein (p.Pro160Thr). This variant is not present in population databases (gnomAD no frequency). This variant has not been reported in the literature in individuals affected with CASQ1-related conditions. Invitae Evidence Modeling of protein sequence and biophysical properties (such as structural, functional, and spatial information, amino acid conservation, physicochemical variation, residue mobility, and thermodynamic stability) indicates that this missense variant is not expected to disrupt CASQ1 protein function with a negative predictive value of 80%. In summary, the available evidence is currently insufficient to determine the role of this variant in disease. Therefore, it has been classified as a Variant of Uncertain Significance.